The following is an entry in ClinVar:

ClinVar aggregate classification (germline): Likely benign (0 of 4 stars; one submission).

Conditions:
PSENEN-related disorder. Also called: PSENEN-related condition.

Allele frequency attached by ClinVar (database versions not stated): gnomAD 0.00018; gnomAD exomes 0.00003; TOPMed 0.00045; 1000 Genomes Project 30x 0.00047; 1000 Genomes Project 0.00040.

Submission:

PreventionGenetics, part of Exact Sciences
Classification: Likely benign for PSENEN-related condition. Last evaluated: 2023-10-12. Review status: no assertion criteria provided. Collection method: clinical testing. Allele origin: germline.
Comment: This variant is classified as likely benign based on ACMG/AMP sequence variant interpretation guidelines (Richards et al. 2015 PMID: 25741868, with internal and published modifications).

NM_172341.3(PSENEN):c.-187A>G

Gene: PSENEN (presenilin enhancer, gamma-secretase subunit; plus strand). Cytogenetic location: 19q13.12.
Variant type: single nucleotide variant.
Coding change: c.-187A>G on transcript NM_172341.3; 187 bases upstream of the start codon, A replaced by G.
Genome position (GRCh38, 1-based): chr19:35,745,610, A>G. VCF-style: chr19-35745610-A-G. GRCh37 (hg19) VCF-style: chr19-36236511-A-G.
Identifiers: ClinVar variation 3048196 (VCV003048196.2), dbSNP rs535099488, ClinGen allele CA307810036.